The following is an entry in ClinVar:

NM_000099.4(CST3):c.201G>A (p.Met67Ile)

Genes: CST3 (cystatin C; minus strand), LOC130065546 (ATAC-STARR-seq lymphoblastoid silent region 12733; plus strand). Cytogenetic location: 20p11.21.
Variant type: single nucleotide variant.
Coding change: c.201G>A on transcript NM_000099.4 (MANE Select); coding-DNA position 201, G replaced by A.
Protein change: p.Met67Ile; replaces methionine 67 with isoleucine.
Molecular consequence: missense variant.
Genome position (GRCh38, 1-based): chr20:23,637,662, C>T on the plus strand (G>A on the coding strand, the complement: CST3 is on the minus strand). VCF-style: chr20-23637662-C-T. GRCh37 (hg19) VCF-style: chr20-23618299-C-T.
Other names: c.201G>A, p.Met67Ile (NM_001288614.2); short protein forms M67I.
Identifiers: ClinVar variation 4771746 (VCV004771746.1).
Genomic context (GRCh38, chr20:23,637,662, plus strand): 5'-GCGGGGGGCGGCACGCACCTGCTTGCGGGCGCGCACCACCTGCAGCGCGCGGCTGTGGTA[C>T]ATGTCGTTGCTGGCTTTGTTGTACTCGCCGACGGCAAAGTCCAGTGCACGCCGCACACCC-3'
Protein context (NP_000090.1, residues 57-77): VGEYNKASND[Met67Ile]YHSRALQVVR

ClinVar aggregate classification (germline): Uncertain significance (1 of 4 stars; one submission).

Submission:

Labcorp Genetics (formerly Invitae), Labcorp
Classification: Uncertain significance. Last evaluated: 2025-10-07. Review status: criteria provided, single submitter. Criteria: Invitae Variant Classification Sherloc (09022015). Collection method: clinical testing. Allele origin: germline.
Comment: This sequence change replaces methionine, which is neutral and non-polar, with isoleucine, which is neutral and non-polar, at codon 67 of the CST3 protein (p.Met67Ile). This variant is not present in population databases (gnomAD no frequency). This variant has not been reported in the literature in individuals affected with CST3-related conditions. An algorithm developed to predict the effect of missense changes on protein structure and function (PolyPhen-2) suggests that this variant is likely to be tolerated. In summary, the available evidence is currently insufficient to determine the role of this variant in disease. Therefore, it has been classified as a Variant of Uncertain Significance.